The following is an entry in ClinVar:

ClinVar aggregate classification (germline): Uncertain significance (1 of 4 stars; one submission).

Conditions:
Early-infantile DEE. Also called: Early infantile epileptic encephalopathy; Ohtahara syndrome; Early infantile epileptic encephalopathy with suppression bursts. Identifiers: Orphanet 1934, MedGen C0393706, MONDO:0800491.

Allele frequency attached by ClinVar (database versions not stated): gnomAD exomes 0.00001 and below 0.00001.
gnomAD v4.1: 14 of 1,614,212 alleles (0.00087%); highest among the groups gnomAD compares: Admixed American, 0.0017%; no homozygotes.

Submission:

Labcorp Genetics (formerly Invitae), Labcorp
Classification: Uncertain significance for Early-infantile DEE. Last evaluated: 2024-10-16. Review status: criteria provided, single submitter. Criteria: Invitae Variant Classification Sherloc (09022015). Collection method: clinical testing. Allele origin: germline.
Comment: This sequence change replaces glutamic acid, which is acidic and polar, with aspartic acid, which is acidic and polar, at codon 873 of the SPTAN1 protein (p.Glu873Asp). This variant is present in population databases (no rsID available, gnomAD 0.003%). This variant has not been reported in the literature in individuals affected with SPTAN1-related conditions. ClinVar contains an entry for this variant (Variation ID: 860450). Invitae Evidence Modeling of protein sequence and biophysical properties (such as structural, functional, and spatial information, amino acid conservation, physicochemical variation, residue mobility, and thermodynamic stability) has been performed for this missense variant. However, the output from this modeling did not meet the statistical confidence thresholds required to predict the impact of this variant on SPTAN1 protein function. In summary, the available evidence is currently insufficient to determine the role of this variant in disease. Therefore, it has been classified as a Variant of Uncertain Significance.

NM_001130438.3(SPTAN1):c.2619G>T (p.Glu873Asp)

Gene: SPTAN1 (spectrin alpha, non-erythrocytic 1; plus strand). Cytogenetic location: 9q34.11.
Variant type: single nucleotide variant.
Coding change: c.2619G>T on transcript NM_001130438.3 (MANE Select); coding-DNA position 2619, G replaced by T.
Protein change: p.Glu873Asp; replaces glutamic acid 873 with aspartic acid.
Molecular consequence: missense variant.
Genome position (GRCh38, 1-based): chr9:128,585,806, G>T. VCF-style: chr9-128585806-G-T. GRCh37 (hg19) VCF-style: chr9-131348085-G-T.
Other names: c.2619G>T, p.Glu873Asp (NM_001195532.2, NM_001363759.2, NM_001363765.2 and 5 more transcripts); c.2655G>T, p.Glu885Asp (NM_001375312.2, NM_001375318.1); short protein forms E873D, E885D.
Identifiers: ClinVar variation 860450 (VCV000860450.10), dbSNP rs1288231452, ClinGen allele CA375058173.
Genomic context (GRCh38, chr9:128,585,806, plus strand): 5'-AGGCCATTTTGCTGCAGAGGATGTGAAGGCCAAGCTTCACGAGCTGAACCAAAAGTGGGA[G>T]GCACTGAAAGCCAAAGCTTCCCAGCGTCGGCAGGACCTGGAGGACTCTCTGCAGGCCCAG-3'
Protein context (NP_001123910.1, residues 863-883): AKLHELNQKW[Glu873Asp]ALKAKASQRR